The following is an entry in ClinVar:

NM_002080.4(GOT2):c.272dup (p.Asn91fs)

Gene: GOT2 (glutamic-oxaloacetic transaminase 2; minus strand). Cytogenetic location: 16q21.
Variant type: Duplication.
Coding change: c.272dup on transcript NM_002080.4 (MANE Select); coding-DNA position 272, one base duplicated (A; older notation c.272dupA).
Protein change: p.Asn91fs; shifts the reading frame from asparagine 91.
Molecular consequence: frameshift variant. On other transcripts: intron variant (1).
Genome position (GRCh38, 1-based): chr16:58,722,253, T duplicated on the plus strand (A on the coding strand, the reverse complement: GOT2 is on the minus strand); the first of 6 consecutive T bases (chr16:58,722,253-58,722,258); duplicating any one gives the same sequence. VCF-style (leftmost placement, unchanged base first): chr16-58722252-A-AT. GRCh37 (hg19) VCF-style: chr16-58756156-A-AT.
Other names: c.246+1493dup (NM_001286220.2); short protein forms N91fs.
Identifiers: ClinVar variation 1919081 (VCV001919081.5), dbSNP rs2506847865, ClinGen allele CA2580091752.

ClinVar aggregate classification (germline): Uncertain significance (1 of 4 stars; one submission).

Submission:

Labcorp Genetics (formerly Invitae), Labcorp
Classification: Uncertain significance. Last evaluated: 2022-03-03. Review status: criteria provided, single submitter. Criteria: Invitae Variant Classification Sherloc (09022015). Collection method: clinical testing. Allele origin: germline.
Comment: In summary, the available evidence is currently insufficient to determine the role of this variant in disease. Therefore, it has been classified as a Variant of Uncertain Significance. This variant has not been reported in the literature in individuals affected with GOT2-related conditions. This variant is not present in population databases (gnomAD no frequency). This sequence change creates a premature translational stop signal (p.Asn91Lysfs*14) in the GOT2 gene. It is expected to result in an absent or disrupted protein product. However, the current clinical and genetic evidence is not sufficient to establish whether loss-of-function variants in GOT2 cause disease.